The following is an entry in ClinVar:

ClinVar aggregate classification (germline): Uncertain significance (1 of 4 stars; one submission).

Conditions:
Neuropathy, hereditary sensory and autonomic, type 2A (HSAN2A). Also called: ACROOSTEOLYSIS, GIACCAI TYPE; ACROOSTEOLYSIS, NEUROGENIC; MORVAN DISEASE; NEUROPATHY, CONGENITAL SENSORY; NEUROPATHY, HEREDITARY SENSORY RADICULAR, AUTOSOMAL RECESSIVE; NEUROPATHY, HEREDITARY SENSORY, TYPE IIA. Identifiers: Orphanet 970, MedGen C2752089, MONDO:0024309, OMIM 201300.
Generalized epilepsy with febrile seizures plus, type 7 (GEFSP7). Also called: GEFS+, TYPE 7. Identifiers: Orphanet 36387, MedGen C2751778, MONDO:0013470, OMIM 613863.

Allele frequency attached by ClinVar (database versions not stated): gnomAD exomes below 0.00001; ExAC 0.00001.
gnomAD v4.1: 1 of 1,613,464 alleles (0.000062%); highest among the groups gnomAD compares: Non-Finnish European, 0.000085%; no homozygotes.

Submission:

Labcorp Genetics (formerly Invitae), Labcorp
Classification: Uncertain significance for Neuropathy, hereditary sensory and autonomic, type 2A; Generalized epilepsy with febrile seizures plus, type 7. Last evaluated: 2023-07-07. Review status: criteria provided, single submitter. Criteria: Invitae Variant Classification Sherloc (09022015). Collection method: clinical testing. Allele origin: germline.
Comment: This sequence change replaces glutamic acid, which is acidic and polar, with glycine, which is neutral and non-polar, at codon 1061 of the SCN9A protein (p.Glu1061Gly). This variant is not present in population databases (gnomAD no frequency). This variant has not been reported in the literature in individuals affected with SCN9A-related conditions. Advanced modeling of protein sequence and biophysical properties (such as structural, functional, and spatial information, amino acid conservation, physicochemical variation, residue mobility, and thermodynamic stability) performed at Invitae indicates that this missense variant is not expected to disrupt SCN9A protein function. In summary, the available evidence is currently insufficient to determine the role of this variant in disease. Therefore, it has been classified as a Variant of Uncertain Significance.

NM_001365536.1(SCN9A):c.3215A>G (p.Glu1072Gly)

Genes: SCN1A-AS1 (SCN1A and SCN9A antisense RNA 1; plus strand), SCN9A (sodium voltage-gated channel alpha subunit 9; minus strand). Cytogenetic location: 2q24.3.
Variant type: single nucleotide variant.
Coding change: c.3215A>G on transcript NM_001365536.1 (MANE Select); coding-DNA position 3215, A replaced by G.
Protein change: p.Glu1072Gly; replaces glutamic acid 1072 with glycine.
Molecular consequence: missense variant.
Genome position (GRCh38, 1-based): chr2:166,272,535, T>C on the plus strand (A>G on the coding strand, the complement: SCN9A is on the minus strand). VCF-style: chr2-166272535-T-C. GRCh37 (hg19) VCF-style: chr2-167129045-T-C.
Other names: c.3182A>G, p.Glu1061Gly (NM_002977.4); short protein forms E1061G, E1072G.
Identifiers: ClinVar variation 2949605 (VCV002949605.3), dbSNP rs754992039, ClinGen allele CA1944121.